The following is an entry in ClinVar:

ClinVar aggregate classification (germline): Uncertain significance. Review status: criteria provided, multiple submitters, no conflicts (2 of 4 stars). 4 submissions from 4 submitters: Uncertain significance (4). Last evaluated 2025-12-30.

Conditions:
Pancreatic agenesis 2 (PAGEN2). Also called: PANCREATIC HYPOPLASIA, CONGENITAL 2. Identifiers: Orphanet 2805, MedGen C4014737, MONDO:0014406, OMIM 615935.
Permanent neonatal diabetes mellitus-pancreatic and cerebellar agenesis syndrome. Also called: PANCREATIC AND CEREBELLAR AGENESIS. Identifiers: Orphanet 65288, MedGen C1836780, MONDO:0012192, OMIM 609069.

Allele frequency attached by ClinVar (database versions not stated): ESP Exome Variant Server 0.00023; TOPMed 0.00023.

Submissions (4):

Women's Health and Genetics/Laboratory Corporation of America, LabCorp
Classification: Uncertain significance. Last evaluated: 2025-12-30. Review status: criteria provided, single submitter. Criteria: LabCorp Variant Classification Summary - May 2015. Collection method: clinical testing. Allele origin: germline.
Comment: Variant summary: PTF1A c.8C>T (p.Ala3Val) results in a non-conservative amino acid change in the encoded protein sequence. Algorithms developed to predict the effect of missense changes on protein structure and function are either unavailable or do not agree on the potential impact of this missense change. The variant allele was found at a frequency of 0.0002 in 221408 control chromosomes. This frequency is not significantly higher than estimated for disease-causing variants in PTF1A, allowing no conclusion about variant significance. To our knowledge, no occurrence of c.8C>T in individuals affected with PTF1A-related conditions and no experimental evidence demonstrating its impact on protein function have been reported. ClinVar contains an entry for this variant (Variation ID: 880486). Based on the evidence outlined above, the variant was classified as uncertain significance.

Labcorp Genetics (formerly Invitae), Labcorp
Classification: Uncertain significance. Last evaluated: 2022-07-15. Review status: criteria provided, single submitter. Criteria: Invitae Variant Classification Sherloc (09022015). Collection method: clinical testing. Allele origin: germline.
Comment: This sequence change replaces alanine, which is neutral and non-polar, with valine, which is neutral and non-polar, at codon 3 of the PTF1A protein (p.Ala3Val). This variant is present in population databases (rs146089816, gnomAD 0.03%). This variant has not been reported in the literature in individuals affected with PTF1A-related conditions. ClinVar contains an entry for this variant (Variation ID: 880486). Algorithms developed to predict the effect of missense changes on protein structure and function are either unavailable or do not agree on the potential impact of this missense change (SIFT: "Tolerated"; PolyPhen-2: "Possibly Damaging"; Align-GVGD: "Class C0"). In summary, the available evidence is currently insufficient to determine the role of this variant in disease. Therefore, it has been classified as a Variant of Uncertain Significance.

New York Genome Center
Classification: Uncertain significance for Permanent neonatal diabetes mellitus-pancreatic and cerebellar agenesis syndrome; Pancreatic agenesis 2. Last evaluated: 2022-07-11. Review status: criteria provided, single submitter. Criteria: NYGC Assertion Criteria 2020. Collection method: clinical testing. Allele origin: germline. Observed: 1 heterozygote.

Illumina Laboratory Services, Illumina
Classification: Uncertain significance for Permanent neonatal diabetes mellitus-pancreatic and cerebellar agenesis syndrome. Last evaluated: 2017-04-27. Review status: criteria provided, single submitter. Criteria: ICSL Variant Classification Criteria 13 December 2019. Collection method: clinical testing. Allele origin: germline.

NM_178161.3(PTF1A):c.8C>T (p.Ala3Val)

Gene: PTF1A (pancreas associated transcription factor 1a; plus strand). Cytogenetic location: 10p12.2.
Variant type: single nucleotide variant.
Coding change: c.8C>T on transcript NM_178161.3 (MANE Select); coding-DNA position 8, C replaced by T.
Protein change: p.Ala3Val; replaces alanine 3 with valine.
Molecular consequence: missense variant.
Genome position (GRCh38, 1-based): chr10:23,192,538, C>T. VCF-style: chr10-23192538-C-T. GRCh37 (hg19) VCF-style: chr10-23481467-C-T.
Other names: short protein forms A3V.
Identifiers: ClinVar variation 880486 (VCV000880486.8), dbSNP rs146089816, ClinGen allele CA5438544.